The following is an entry in ClinVar:

NM_182961.4(SYNE1):c.25091C>T (p.Pro8364Leu)

Gene: SYNE1 (spectrin repeat containing nuclear envelope protein 1; minus strand). Cytogenetic location: 6q25.2.
Variant type: single nucleotide variant.
Coding change: c.25091C>T on transcript NM_182961.4 (MANE Select); coding-DNA position 25091, C replaced by T.
Protein change: p.Pro8364Leu; replaces proline 8364 with leucine.
Molecular consequence: missense variant.
Genome position (GRCh38, 1-based): chr6:152,143,651, G>A on the plus strand (C>T on the coding strand, the complement: SYNE1 is on the minus strand). VCF-style: chr6-152143651-G-A. GRCh37 (hg19) VCF-style: chr6-152464786-G-A.
Other names: p.Pro8316Leu; c.1697C>T, p.Pro566Leu (NM_001347701.2); c.1625C>T, p.Pro542Leu (NM_001347702.2); c.24947C>T, p.Pro8316Leu (NM_033071.5); short protein forms P8316L, P8364L, P542L, P566L.
Identifiers: ClinVar variation 281135 (VCV000281135.76), dbSNP rs148376885, ClinGen allele CA4052957.

ClinVar aggregate classification (germline): Benign/Likely benign. Review status: criteria provided, multiple submitters, no conflicts (2 of 4 stars). 12 submissions from 11 submitters: Benign (4); Likely benign (6). 2 of the submissions do not count toward it. Last evaluated 2026-01-21.

Conditions:
SYNE1-related disorder. Also called: SYNE1-related disorders; SYNE1-related disease; SYNE1-related condition.
Autosomal recessive ataxia, Beauce type. Also called: ATAXIA, RECESSIVE, OF BEAUCE; Spinocerebellar ataxia, autosomal recessive 8; SYNE1-Related Autosomal Recessive Cerebellar Ataxia; SYNE1 Deficiency. Identifiers: Orphanet 88644, MedGen C1853116, MONDO:0012549, OMIM 610743.
Emery-Dreifuss muscular dystrophy 4, autosomal dominant (EDMD4). Also called: EMERY-DREIFUSS MUSCULAR DYSTROPHY 4 WITH VARIABLE FEATURES. Identifiers: Orphanet 261, MedGen C2751807, MONDO:0013071, OMIM 612998.
Intellectual disability. Also called: Intellectual functioning disability; intellectual disabilities; Intellectual developmental disorder. Identifiers: MedGen C3714756, MeSH D008607, MONDO:0001071, HP:0001249.

Allele frequency attached by ClinVar (database versions not stated): 1000 Genomes Project 30x 0.00016; 1000 Genomes Project 0.00020; TOPMed 0.00143; gnomAD 0.00160 and 0.00169; ExAC 0.00184; ESP Exome Variant Server 0.00223.
gnomAD v4.1: 3,662 of 1,614,120 alleles (0.23%); highest among the groups gnomAD compares: Non-Finnish European, 0.27%; 9 homozygotes.

Submissions (12):

Labcorp Genetics (formerly Invitae), Labcorp
Classification: Likely benign for Emery-Dreifuss muscular dystrophy 4, autosomal dominant; Autosomal recessive ataxia, Beauce type. Last evaluated: 2026-01-21. Review status: criteria provided, single submitter. Criteria: Invitae Variant Classification Sherloc (09022015). Collection method: clinical testing. Allele origin: germline.

CeGaT Center for Human Genetics Tuebingen
Classification: Likely benign. Last evaluated: 2025-11-01. Review status: criteria provided, single submitter. Criteria: CeGaT Center For Human Genetics Tuebingen Variant Classification Criteria Version 2. Collection method: clinical testing. Allele origin: germline. Affected: yes. Observed: 9 variant alleles.
Comment: SYNE1: BP4, BS2

Blueprint Genetics
Classification: Likely benign. Last evaluated: 2024-11-08. Review status: criteria provided, single submitter. Criteria: ACMG Guidelines, 2015. Collection method: clinical testing. Allele origin: germline.

Mayo Clinic Laboratories, Mayo Clinic
Classification: Benign. Last evaluated: 2024-10-07. Review status: criteria provided, single submitter. Criteria: ACMG Guidelines, 2015. Collection method: clinical testing. Allele origin: germline. Observed: 5 variant alleles.
Comment: BS1, BS2

Athena Diagnostics
Classification: Benign. Last evaluated: 2024-07-12. Review status: criteria provided, single submitter. Criteria: Athena Diagnostics Criteria. Collection method: clinical testing. Allele origin: unknown.

ARUP Laboratories, Molecular Genetics and Genomics, ARUP Laboratories
Classification: Likely benign. Last evaluated: 2023-10-13. Review status: criteria provided, single submitter. Criteria: ARUP Molecular Germline Variant Investigation Process 2024. Collection method: clinical testing. Allele origin: germline.

GeneDx
Classification: Benign. Last evaluated: 2020-03-19. Review status: criteria provided, single submitter. Criteria: GeneDx Variant Classification Process June 2021. Collection method: clinical testing. Allele origin: germline. Affected: yes.

Illumina Laboratory Services, Illumina
Classification: Likely benign for Autosomal recessive ataxia, Beauce type. Last evaluated: 2018-01-13. Review status: criteria provided, single submitter. Criteria: ICSL Variant Classification Criteria 13 December 2019. Collection method: clinical testing. Allele origin: germline.
Comment: This variant was observed in the ICSL laboratory as part of a predisposition screen in an ostensibly healthy population. It had not been previously curated by ICSL or reported in the Human Gene Mutation Database (HGMD: prior to June 1st, 2018), and was therefore a candidate for classification through an automated scoring system. Utilizing variant allele frequency, disease prevalence and penetrance estimates, and inheritance mode, an automated score was calculated to assess if this variant is too frequent to cause the disease. Based on the score and internal cut-off values, a variant classified as likely benign is not then subjected to further curation. The score for this variant resulted in a classification of likely benign for this disease.

Illumina Laboratory Services, Illumina
Classification: Benign for Emery-Dreifuss muscular dystrophy 4, autosomal dominant. Last evaluated: 2018-01-13. Review status: criteria provided, single submitter. Criteria: ICSL Variant Classification Criteria 13 December 2019. Collection method: clinical testing. Allele origin: germline.
Comment: This variant was observed in the ICSL laboratory as part of a predisposition screen in an ostensibly healthy population. It had not been previously curated by ICSL or reported in the Human Gene Mutation Database (HGMD: prior to June 1st, 2018), and was therefore a candidate for classification through an automated scoring system. Utilizing variant allele frequency, disease prevalence and penetrance estimates, and inheritance mode, an automated score was calculated to assess if this variant is too frequent to cause the disease. Based on the score and internal cut-off values, a variant classified as benign is not then subjected to further curation. The score for this variant resulted in a classification of benign for this disease.

Eurofins Ntd Llc (ga)
Classification: Likely benign. Last evaluated: 2016-06-01. Review status: criteria provided, single submitter. Criteria: EGL Classification Definitions 2015. Collection method: clinical testing. Allele origin: germline. Observed: 13 variant alleles, 13 heterozygotes.

PreventionGenetics, part of Exact Sciences
Classification: Likely benign for SYNE1-related condition. Last evaluated: 2020-12-16. Review status: no assertion criteria provided. Collection method: clinical testing. Allele origin: germline. Not counted in ClinVar's aggregate classification.
Comment: This variant is classified as likely benign based on ACMG/AMP sequence variant interpretation guidelines (Richards et al. 2015 PMID: 25741868, with internal and published modifications).

Centre de Biologie Pathologie Génétique, Centre Hospitalier Universitaire de Lille
Classification: Likely benign for Intellectual disability. Last evaluated: 2019-01-01. Review status: no assertion criteria provided. Collection method: clinical testing. Allele origin: inherited. Affected: yes. Not counted in ClinVar's aggregate classification.

Literature cited by the submitters: PubMed 23352163 (cited by Athena Diagnostics).